The following is an entry in ClinVar:

ClinVar aggregate classification (germline): Uncertain significance (1 of 4 stars; one submission).

Conditions:
Glycogen storage disease type III (GSD3). Also called: FORBES DISEASE; Cori disease. Identifiers: Orphanet 366, MedGen C0017922, MONDO:0009291, OMIM 232400.

Submission:

Labcorp Genetics (formerly Invitae), Labcorp
Classification: Uncertain significance for Glycogen storage disease type III. Last evaluated: 2022-07-03. Review status: criteria provided, single submitter. Criteria: Invitae Variant Classification Sherloc (09022015). Collection method: clinical testing. Allele origin: germline.
Comment: Algorithms developed to predict the effect of missense changes on protein structure and function are either unavailable or do not agree on the potential impact of this missense change (SIFT: "Tolerated"; PolyPhen-2: "Possibly Damaging"; Align-GVGD: "Class C0"). In summary, the available evidence is currently insufficient to determine the role of this variant in disease. Therefore, it has been classified as a Variant of Uncertain Significance. This variant has not been reported in the literature in individuals affected with AGL-related conditions. This variant is not present in population databases (gnomAD no frequency). This sequence change replaces arginine, which is basic and polar, with lysine, which is basic and polar, at codon 947 of the AGL protein (p.Arg947Lys).

NM_000642.3(AGL):c.2840G>A (p.Arg947Lys)

Gene: AGL (amylo-alpha-1,6-glucosidase and 4-alpha-glucanotransferase; plus strand). Cytogenetic location: 1p21.2.
Variant type: single nucleotide variant.
Coding change: c.2840G>A on transcript NM_000642.3 (MANE Select); coding-DNA position 2840, G replaced by A.
Protein change: p.Arg947Lys; replaces arginine 947 with lysine.
Molecular consequence: missense variant.
Genome position (GRCh38, 1-based): chr1:99,891,247, G>A. VCF-style: chr1-99891247-G-A. GRCh37 (hg19) VCF-style: chr1-100356803-G-A.
Other names: c.2840G>A, p.Arg947Lys (NM_000028.3, NM_000643.3, NM_000644.3 and 1 more transcripts); c.2792G>A, p.Arg931Lys (NM_000646.3); c.2819G>A, p.Arg940Lys (NM_001425326.1); c.2639G>A, p.Arg880Lys (NM_001425327.1); c.2636G>A, p.Arg879Lys (NM_001425328.1); c.2501G>A, p.Arg834Lys (NM_001425329.1); c.2462G>A, p.Arg821Lys (NM_001425332.1); short protein forms R931K, R947K, R821K, R834K, R879K, R880K, R940K.
Identifiers: ClinVar variation 2013426 (VCV002013426.4), dbSNP rs2100788389, ClinGen allele CA341324944.